The following is an entry in ClinVar:

ClinVar aggregate classification (germline): Uncertain significance (1 of 4 stars; one submission).

Conditions:
Ataxia-telangiectasia syndrome (AT). Also called: Ataxia-telangiectasia; LOUIS-BAR SYNDROME; Ataxia-telangiectasia, complementation group D; AT, COMPLEMENTATION GROUP C; ATAXIA-TELANGIECTASIA, COMPLEMENTATION GROUP A; ATAXIA-TELANGIECTASIA, FRESNO VARIANT. Identifiers: Orphanet 100, MedGen C0004135, MONDO:0008840, OMIM 208900.

Submission:

Labcorp Genetics (formerly Invitae), Labcorp
Classification: Uncertain significance for Ataxia-telangiectasia syndrome. Last evaluated: 2021-08-06. Review status: criteria provided, single submitter. Criteria: Invitae Variant Classification Sherloc (09022015). Collection method: clinical testing. Allele origin: germline.
Comment: In summary, the available evidence is currently insufficient to determine the role of this variant in disease. Therefore, it has been classified as a Variant of Uncertain Significance. Advanced modeling of protein sequence and biophysical properties (such as structural, functional, and spatial information, amino acid conservation, physicochemical variation, residue mobility, and thermodynamic stability) performed at Invitae indicates that this missense variant is expected to disrupt ATM protein function. This variant has not been reported in the literature in individuals affected with ATM-related conditions. This variant is not present in population databases (ExAC no frequency). This sequence change replaces leucine with proline at codon 2519 of the ATM protein (p.Leu2519Pro). The leucine residue is highly conserved and there is a moderate physicochemical difference between leucine and proline.

NM_000051.4(ATM):c.7556T>C (p.Leu2519Pro)

Genes: ATM (ATM serine/threonine kinase; plus strand), C11orf65 (chromosome 11 open reading frame 65; minus strand). Cytogenetic location: 11q22.3.
Variant type: single nucleotide variant.
Coding change: c.7556T>C on transcript NM_000051.4 (MANE Select); coding-DNA position 7556, T replaced by C.
Protein change: p.Leu2519Pro; replaces leucine 2519 with proline.
Molecular consequence: missense variant. On other transcripts: non-coding transcript variant (1), intron variant (2).
Genome position (GRCh38, 1-based): chr11:108,331,484, T>C. VCF-style: chr11-108331484-T-C. GRCh37 (hg19) VCF-style: chr11-108202211-T-C.
Other names: c.7556T>C, p.Leu2519Pro (NM_001351834.2); c.641-22413A>G (NM_001330368.2); c.*38+3736A>G (NM_001351110.2); short protein forms L2519P.
Identifiers: ClinVar variation 1372976 (VCV001372976.7), dbSNP rs2136493486, ClinGen allele CA382560719.